The following is an entry in ClinVar:

NM_001371986.1(UNC80):c.4239C>G (p.His1413Gln)

Gene: UNC80 (unc-80 subunit of NALCN channel complex; plus strand). Cytogenetic location: 2q34.
Variant type: single nucleotide variant.
Coding change: c.4239C>G on transcript NM_001371986.1 (MANE Select); coding-DNA position 4239, C replaced by G.
Protein change: p.His1413Gln; replaces histidine 1413 with glutamine.
Molecular consequence: missense variant.
Genome position (GRCh38, 1-based): chr2:209,888,223, C>G. VCF-style: chr2-209888223-C-G. GRCh37 (hg19) VCF-style: chr2-210752947-C-G.
Other names: c.4245C>G, p.His1415Gln (NM_032504.2); c.4230C>G, p.His1410Gln (NM_182587.4); short protein forms H1413Q, H1410Q, H1415Q.
Identifiers: ClinVar variation 1992666 (VCV001992666.4), dbSNP rs973874721, ClinGen allele CA65037026.

ClinVar aggregate classification (germline): Uncertain significance (1 of 4 stars; one submission).

Allele frequency attached by ClinVar (database versions not stated): TOPMed 0.00001.

Submission:

Labcorp Genetics (formerly Invitae), Labcorp
Classification: Uncertain significance. Last evaluated: 2022-05-10. Review status: criteria provided, single submitter. Criteria: Invitae Variant Classification Sherloc (09022015). Collection method: clinical testing. Allele origin: germline.
Comment: In summary, the available evidence is currently insufficient to determine the role of this variant in disease. Therefore, it has been classified as a Variant of Uncertain Significance. Algorithms developed to predict the effect of missense changes on protein structure and function are either unavailable or do not agree on the potential impact of this missense change (SIFT: "Not Available"; PolyPhen-2: "Benign"; Align-GVGD: "Not Available"). This variant has not been reported in the literature in individuals affected with UNC80-related conditions. This variant is present in population databases (no rsID available, gnomAD 0.01%). This sequence change replaces histidine, which is basic and polar, with glutamine, which is neutral and polar, at codon 1415 of the UNC80 protein (p.His1415Gln).